The following is an entry in ClinVar:

ClinVar aggregate classification (germline): Benign/Likely benign. Review status: criteria provided, multiple submitters, no conflicts (2 of 4 stars). 23 submissions from 19 submitters: Benign (20); Likely benign (1). 2 of the submissions do not count toward it. Last evaluated 2026-05-20.

Conditions:
Hereditary cancer-predisposing syndrome. Also called: Tumor predisposition; Neoplastic Syndromes, Hereditary; Hereditary neoplastic syndrome; Hereditary Cancer Syndrome. Identifiers: Orphanet 140162, MedGen C0027672, MeSH D009386, MONDO:0015356.
Cardiovascular phenotype. Identifiers: MedGen CN230736.
Neurofibromatosis, familial spinal (FSNF). Identifiers: Orphanet 636, MedGen C1834235, MONDO:0008078, OMIM 162210. Disease mechanism: loss of function.
Neurofibromatosis-Noonan syndrome (NFNS). Also called: NEUROFIBROMATOSIS WITH NOONAN PHENOTYPE. Identifiers: Orphanet 638, MedGen C2931482, MONDO:0011035, OMIM 601321. Disease mechanism: loss of function.
Neurofibromatosis, type 1 (NF1). Also called: NEUROFIBROMATOSIS, TYPE I, SOMATIC; Peripheral type neurofibromatosis; VON RECKLINGHAUSEN DISEASE; Neurofibromatosis, type I. Identifiers: Orphanet 636, MedGen C0027831, MONDO:0018975, OMIM 162200. Disease mechanism: loss of function.
Café-au-lait macules with pulmonary stenosis (WTSN). Also called: PULMONIC STENOSIS WITH CAFE-AU-LAIT SPOTS. Identifiers: MedGen C0553586, MONDO:0008672, OMIM 193520.
Juvenile myelomonocytic leukemia (JMML). Also called: LEUKEMIA, JUVENILE MYELOMONOCYTIC, SOMATIC. Identifiers: Orphanet 86834, MedGen C0349639, MONDO:0011908, OMIM 607785, HP:0012209.

Allele frequency attached by ClinVar (database versions not stated): gnomAD exomes 0.00547; ExAC 0.00686; gnomAD 0.02109 and 0.02270; 1000 Genomes Project 0.02137; 1000 Genomes Project 30x 0.02186; TOPMed 0.02311; ESP Exome Variant Server 0.02384.

Submissions (23):

Myriad Genetics, Inc.
Classification: Benign for Neurofibromatosis, type 1. Last evaluated: 2026-05-20. Review status: criteria provided, single submitter. Criteria: Myriad Autosomal Dominant, Autosomal Recessive and X-Linked Classification Criteria (2023). Collection method: clinical testing. Allele origin: unknown.
Comment: This variant is considered benign. This variant is a silent/synonymous amino acid change and it is not expected to impact splicing.

Labcorp Genetics (formerly Invitae), Labcorp
Classification: Benign for Neurofibromatosis, type 1. Last evaluated: 2026-02-04. Review status: criteria provided, single submitter. Criteria: Invitae Variant Classification Sherloc (09022015). Collection method: clinical testing. Allele origin: germline.

ARUP Laboratories, Molecular Genetics and Genomics, ARUP Laboratories
Classification: Benign. Last evaluated: 2025-07-10. Review status: criteria provided, single submitter. Criteria: ARUP Molecular Germline Variant Investigation Process 2024. Collection method: clinical testing. Allele origin: germline.

Blueprint Genetics
Classification: Likely benign. Last evaluated: 2024-11-22. Review status: criteria provided, single submitter. Criteria: ACMG Guidelines, 2015. Collection method: clinical testing. Allele origin: germline.

Department of Pathology and Laboratory Medicine, Sinai Health System
Classification: Benign for Neurofibromatosis, type 1; Neurofibromatosis, familial spinal; Café-au-lait macules with pulmonary stenosis; Neurofibromatosis-Noonan syndrome; Juvenile myelomonocytic leukemia. Last evaluated: 2022-08-29. Review status: criteria provided, single submitter. Criteria: ACMG Guidelines, 2015. Collection method: clinical testing. Allele origin: germline. Affected: yes.

Medical Genetics, University of Parma
Classification: Benign for Neurofibromatosis, type 1. Last evaluated: 2022-08-17. Review status: criteria provided, single submitter. Criteria: ACMG Guidelines, 2015. Collection method: clinical testing. Allele origin: germline. Inheritance: Autosomal dominant inheritance. Affected: yes.

Genome-Nilou Lab
Classification: Benign for Neurofibromatosis, type 1. Last evaluated: 2022-03-15. Review status: criteria provided, single submitter. Criteria: ACMG Guidelines, 2015. Collection method: clinical testing. Allele origin: germline. Affected: no.

Mayo Clinic Laboratories, Mayo Clinic
Classification: Benign. Last evaluated: 2022-01-19. Review status: criteria provided, single submitter. Criteria: ACMG Guidelines, 2015. Collection method: clinical testing. Allele origin: germline. Observed: 21 variant alleles.

Genome Diagnostics Laboratory, The Hospital for Sick Children
Classification: Benign for Neurofibromatosis, type 1. Last evaluated: 2020-10-26. Review status: criteria provided, single submitter. Criteria: ACMG Guidelines, 2015. Collection method: clinical testing. Allele origin: germline. Affected: yes.

Athena Diagnostics
Classification: Benign. Last evaluated: 2018-04-23. Review status: criteria provided, single submitter. Criteria: Athena Diagnostics Criteria. Collection method: clinical testing. Allele origin: germline.

Illumina Laboratory Services, Illumina
Classification: Benign for Café-au-lait macules with pulmonary stenosis. Last evaluated: 2018-01-13. Review status: criteria provided, single submitter. Criteria: ICSL Variant Classification Criteria 13 December 2019. Collection method: clinical testing. Allele origin: germline.
Comment: This variant was observed in the ICSL laboratory as part of a predisposition screen in an ostensibly healthy population. It had not been previously curated by ICSL or reported in the Human Gene Mutation Database (HGMD: prior to June 1st, 2018), and was therefore a candidate for classification through an automated scoring system. Utilizing variant allele frequency, disease prevalence and penetrance estimates, and inheritance mode, an automated score was calculated to assess if this variant is too frequent to cause the disease. Based on the score and internal cut-off values, a variant classified as benign is not then subjected to further curation. The score for this variant resulted in a classification of benign for this disease.

Illumina Laboratory Services, Illumina
Classification: Benign for Neurofibromatosis, type 1. Last evaluated: 2018-01-13. Review status: criteria provided, single submitter. Criteria: ICSL Variant Classification Criteria 13 December 2019. Collection method: clinical testing. Allele origin: germline.
Comment: the same text as in the submission from Illumina Laboratory Services, Illumina above.

Illumina Laboratory Services, Illumina
Classification: Benign for Neurofibromatosis-Noonan syndrome. Last evaluated: 2018-01-13. Review status: criteria provided, single submitter. Criteria: ICSL Variant Classification Criteria 13 December 2019. Collection method: clinical testing. Allele origin: germline.
Comment: the same text as in the submission from Illumina Laboratory Services, Illumina above.

Illumina Laboratory Services, Illumina
Classification: Benign for Neurofibromatosis, familial spinal. Last evaluated: 2018-01-13. Review status: criteria provided, single submitter. Criteria: ICSL Variant Classification Criteria 13 December 2019. Collection method: clinical testing. Allele origin: germline.
Comment: the same text as in the submission from Illumina Laboratory Services, Illumina above.

Women's Health and Genetics/Laboratory Corporation of America, LabCorp
Classification: Benign. Last evaluated: 2016-05-11. Review status: criteria provided, single submitter. Criteria: LabCorp Variant Classification Summary - May 2015. Collection method: clinical testing. Allele origin: germline.
Comment: Variant summary: The NF1 c.4819T>C (p.Leu1607Leu) variant involves the alteration of a conserved nucleotide, resulting in a synonymous change. One in silico tool predicts a benign outcome for this variant. This variant was found in 833/121372 control chromosomes (29 homozygotes) at a frequency of 0.0068632, which is approximately 33 times the estimated maximal expected allele frequency of a pathogenic NF1 variant (0.0002084), suggesting this variant is a benign polymorphism. Reputable database/clinical diagnostic laboratory cites this variant with classification of "Benign". Taken together, this variant is classified as Benign.

GeneDx
Classification: Benign. Last evaluated: 2016-04-05. Review status: criteria provided, single submitter. Criteria: GeneDx Variant Classification (06012015). Collection method: clinical testing. Allele origin: germline. Affected: yes.
Comment: This variant is considered likely benign or benign based on one or more of the following criteria: it is a conservative change, it occurs at a poorly conserved position in the protein, it is predicted to be benign by multiple in silico algorithms, and/or has population frequency not consistent with disease.

Ambry Genetics
Classification: Benign for Cardiovascular phenotype; Hereditary cancer-predisposing syndrome. Last evaluated: 2016-03-23. Review status: criteria provided, single submitter. Criteria: Ambry Variant Classification Scheme 2023. Collection method: clinical testing. Allele origin: germline.

Laboratory for Molecular Medicine, Mass General Brigham Personalized Medicine
Classification: Benign. Last evaluated: 2014-11-24. Review status: criteria provided, single submitter. Criteria: LMM Criteria. Collection method: clinical testing. Allele origin: germline. Observed: 9 variant alleles.
Comment: Leu1628Leu in exon 37 of NF1: This variant is not expected to have clinical sign ificance because it does not alter an amino acid residue and is not located with in the splice consensus sequence. It has been identified in 7.0% (309/4406) of A frican American chromosomes from a broad population by the NHLBI Exome Sequencin g Project (dbSNP rs10512435).

Ambry Genetics
Classification: Benign for Hereditary cancer-predisposing syndrome. Last evaluated: 2014-11-19. Review status: criteria provided, single submitter. Criteria: Ambry Autosomal Dominant and X-Linked criteria (10/2015). Collection method: clinical testing. Allele origin: germline. Observed: 1 variant allele.
Comment: General population or subpopulation frequency is too high to be a pathogenic mutation based on disease/syndrome prevalence and penetrance

Breakthrough Genomics
Classification: Benign. Review status: criteria provided, single submitter. Criteria: ACMG Guidelines, 2015. Collection method: not provided. Allele origin: germline. Inheritance: Autosomal dominant inheritance. Affected: yes.

PreventionGenetics, part of Exact Sciences
Classification: Benign. Review status: criteria provided, single submitter. Criteria: ACMG Guidelines, 2015. Collection method: clinical testing. Allele origin: germline.

Clinical Genetics DNA and cytogenetics Diagnostics Lab, Erasmus MC, Erasmus Medical Center
Classification: Benign. Review status: no assertion criteria provided. Collection method: clinical testing. Allele origin: germline. Affected: yes. Study: VKGL Data-share Consensus. Not counted in ClinVar's aggregate classification.

Genome Diagnostics Laboratory, Amsterdam University Medical Center
Classification: Benign. Review status: no assertion criteria provided. Collection method: clinical testing. Allele origin: germline. Affected: yes. Study: VKGL Data-share Consensus. Not counted in ClinVar's aggregate classification.

Literature cited by the submitters: PubMed 10980545 (cited by Athena Diagnostics).

NM_001042492.3(NF1):c.4882T>C (p.Leu1628=)

Gene: NF1 (neurofibromin 1; plus strand). Cytogenetic location: 17q11.2.
Variant type: single nucleotide variant.
Coding change: c.4882T>C on transcript NM_001042492.3 (MANE Select); coding-DNA position 4882, T replaced by C.
Protein change: p.Leu1628=; no amino-acid change (leucine 1628 retained).
Molecular consequence: synonymous variant.
Genome position (GRCh38, 1-based): chr17:31,325,866, T>C. VCF-style: chr17-31325866-T-C. GRCh37 (hg19) VCF-style: chr17-29652884-T-C.
Other names: p.Leu1607=; c.4819T>C, p.Leu1607= (NM_000267.4).
Identifiers: ClinVar variation 184058 (VCV000184058.48), dbSNP rs10512435, ClinGen allele CA187656.